The following is an entry in ClinVar:

ClinVar aggregate classification (germline): Uncertain significance (1 of 4 stars; one submission).

Allele frequency attached by ClinVar (database versions not stated): gnomAD 0.00003; TOPMed 0.00003; ESP Exome Variant Server 0.00008.
gnomAD v4.1: 85 of 1,613,638 alleles (0.0053%); highest among the groups gnomAD compares: East Asian, 0.0067%; no homozygotes.

Submission:

Greenwood Genetic Center Diagnostic Laboratories, Greenwood Genetic Center
Classification: Uncertain significance. Last evaluated: 2023-11-21. Review status: criteria provided, single submitter. Criteria: ACMG Guidelines, 2015. Collection method: clinical testing. Allele origin: germline. Affected: yes.
Comment: PM2

NM_002768.5(CHMP1A):c.84G>A (p.Ala28=)

Gene: CHMP1A (charged multivesicular body protein 1A; minus strand). Cytogenetic location: 16q24.3.
Variant type: single nucleotide variant.
Coding change: c.84G>A on transcript NM_002768.5 (MANE Select); coding-DNA position 84, G replaced by A.
Protein change: p.Ala28=; no amino-acid change (alanine 28 retained).
Molecular consequence: synonymous variant. On other transcripts: missense variant (1), non-coding transcript variant (1).
Genome position (GRCh38, 1-based): chr16:89,651,590, C>T on the plus strand (G>A on the coding strand, the complement: CHMP1A is on the minus strand). VCF-style: chr16-89651590-C-T. GRCh37 (hg19) VCF-style: chr16-89717998-C-T.
Other names: c.64G>A, p.Gly22Arg (NM_001083314.4); short protein forms G22R.
Identifiers: ClinVar variation 2692473 (VCV002692473.1), dbSNP rs376691010, ClinGen allele CA8247178.